The following is an entry in ClinVar:

ClinVar aggregate classification (germline): Uncertain significance (1 of 4 stars; one submission).

Conditions:
Inborn genetic diseases. Identifiers: MedGen C0950123, MeSH D030342.

Submission:

Ambry Genetics
Classification: Uncertain significance for Inborn genetic diseases. Last evaluated: 2025-02-18. Review status: criteria provided, single submitter. Criteria: Ambry Variant Classification Scheme 2023. Collection method: clinical testing. Allele origin: germline.
Comment: The p.A375P variant (also known as c.1123G>C), located in coding exon 1 of the SAMD9L gene, results from a G to C substitution at nucleotide position 1123. The alanine at codon 375 is replaced by proline, an amino acid with highly similar properties. This amino acid position is conserved. In addition, this alteration is predicted to be tolerated by in silico analysis. Based on the available evidence, the clinical significance of this variant remains unclear.

NM_152703.5(SAMD9L):c.1123G>C (p.Ala375Pro)

Gene: SAMD9L (sterile alpha motif domain containing 9 like; minus strand). Cytogenetic location: 7q21.2.
Variant type: single nucleotide variant.
Coding change: c.1123G>C on transcript NM_152703.5 (MANE Select); coding-DNA position 1123, G replaced by C.
Protein change: p.Ala375Pro; replaces alanine 375 with proline.
Molecular consequence: missense variant.
Genome position (GRCh38, 1-based): chr7:93,134,849, C>G on the plus strand (G>C on the coding strand, the complement: SAMD9L is on the minus strand). VCF-style: chr7-93134849-C-G. GRCh37 (hg19) VCF-style: chr7-92764162-C-G.
Other names: c.1123G>C, p.Ala375Pro (NM_001303496.3, NM_001303497.3, NM_001303498.3 and 5 more transcripts); short protein forms A375P.
Identifiers: ClinVar variation 3792433 (VCV003792433.1).